The following is an entry in ClinVar:

NM_001211.6(BUB1B):c.1058T>C (p.Met353Thr)

Gene: BUB1B (BUB1 mitotic checkpoint serine/threonine kinase B; plus strand). Cytogenetic location: 15q15.1.
Variant type: single nucleotide variant.
Coding change: c.1058T>C on transcript NM_001211.6 (MANE Select); coding-DNA position 1058, T replaced by C.
Protein change: p.Met353Thr; replaces methionine 353 with threonine.
Molecular consequence: missense variant.
Genome position (GRCh38, 1-based): chr15:40,185,642, T>C. VCF-style: chr15-40185642-T-C. GRCh37 (hg19) VCF-style: chr15-40477843-T-C.
Other names: short protein forms M353T.
Identifiers: ClinVar variation 3690679 (VCV003690679.2).
Genomic context (GRCh38, chr15:40,185,642, plus strand): 5'-TACCCGCTGTGCTTCCCAGTTTCACTCCATATGTGGAAGAGACTGCACGACAGCCAGTTA[T>C]GTGAGTGTGGTTTTTGGATATTTTGAAGTGGGAATTATTAAGGGTGGGCAGAGGCACCTA-3'
Protein context (NP_001202.5, residues 343-363): YVEETARQPV[Met353Thr]TPCKIEPSIN

ClinVar aggregate classification (germline): Uncertain significance (1 of 4 stars; one submission).

Conditions:
Mosaic variegated aneuploidy syndrome 1 (MVA1). Also called: Warburton-Anyane-Yeboa syndrome. Identifiers: Orphanet 1052, MedGen C1850343, MONDO:0009759, OMIM 257300.

gnomAD v4.1: 15 of 1,612,430 alleles (0.00093%); highest among the groups gnomAD compares: South Asian, 0.011%; no homozygotes.

Submission:

Labcorp Genetics (formerly Invitae), Labcorp
Classification: Uncertain significance for Mosaic variegated aneuploidy syndrome 1. Last evaluated: 2024-08-12. Review status: criteria provided, single submitter. Criteria: Invitae Variant Classification Sherloc (09022015). Collection method: clinical testing. Allele origin: germline.
Comment: This sequence change replaces methionine, which is neutral and non-polar, with threonine, which is neutral and polar, at codon 353 of the BUB1B protein (p.Met353Thr). This variant is present in population databases (rs548650011, gnomAD 0.003%). This variant has not been reported in the literature in individuals affected with BUB1B-related conditions. An algorithm developed to predict the effect of missense changes on protein structure and function (PolyPhen-2) suggests that this variant is likely to be tolerated. In summary, the available evidence is currently insufficient to determine the role of this variant in disease. Therefore, it has been classified as a Variant of Uncertain Significance.